The following is an entry in ClinVar:

NM_003238.6(TGFB2):c.933-7_933-6del

Gene: TGFB2 (transforming growth factor beta 2; plus strand). Cytogenetic location: 1q41.
Variant type: Deletion.
Coding change: c.933-7_933-6del on transcript NM_003238.6 (MANE Select); 7 bases into the intron before coding-DNA position 933 through 6 bases into the intron before coding-DNA position 933, 2 bases deleted (TT; older notation c.933-7_933-6delTT).
Molecular consequence: intron variant.
Genome position (GRCh38, 1-based): chr1:218,437,336-218,437,337, TT deleted; deleting any 2 consecutive bases within chr1:218,437,321-218,437,337 gives the same sequence; the c. name uses the placement nearest the transcript's 3' end. VCF-style (leftmost placement, unchanged base first): chr1-218437320-CTT-C. GRCh37 (hg19) VCF-style: chr1-218610662-CTT-C.
Other names: NC_000001.10:g.218610678_218610679del; c.1017-7_1017-6del (NM_001135599.4).
Identifiers: ClinVar variation 992240 (VCV000992240.4), dbSNP rs11285412, ClinGen allele CA1398641.
Genomic context (GRCh38, chr1:218,437,320, plus strand): 5'-TGGTTTGGGGTGAGGTGGTGGTAGAGTGAGGGTGGTGAATCAGCTTTAAAATCTCCATTG[CTT>C]TTTTTTTTTTTTTTTAACAGAAATGTGCAGGATAATTGCTGCCTACGTCCACTTTACATT-3'

ClinVar aggregate classification (germline): Benign. Review status: criteria provided, multiple submitters, no conflicts (2 of 4 stars). 2 submissions from 2 submitters: Benign (2). Last evaluated 2020-12-07.

Conditions:
Loeys-Dietz syndrome 4 (LDS4). Also called: TGFB2-Related Loeys-Dietz Syndrome; ANEURYSM, AORTIC AND CEREBRAL, WITH ARTERIAL TORTUOSITY AND SKELETAL MANIFESTATIONS. Identifiers: MedGen C3553762, MONDO:0013897, OMIM 614816.

Submissions (3):

Women's Health and Genetics/Laboratory Corporation of America, LabCorp
Classification: Benign. Last evaluated: 2020-12-07. Review status: criteria provided, single submitter. Criteria: LabCorp Variant Classification Summary - May 2015. Collection method: clinical testing. Allele origin: germline.
Comment: Variant summary: TGFB2 c.933-7_933-6delTT alters a nucleotide located close to a canonical splice site and therefore could affect mRNA splicing, leading to a significantly altered protein sequence. The variant allele was found at a frequency of 0.14 in 136506 control chromosomes in the gnomAD database, including 1 homozygotes. The observed variant frequency is approximately 112282 fold of the estimated maximal expected allele frequency for a pathogenic variant in TGFB2 causing Aortopathy phenotype (1.3e-06), strongly suggesting that the variant is benign. No clinical diagnostic laboratories have submitted clinical-significance assessments for this variant to ClinVar after 2014. Based on the evidence outlined above, the variant was classified as benign.

Dubai Health Genomic Medicine Center, Dubai Health
Classification: Benign for Loeys-Dietz syndrome 4. Last evaluated: 2020-06-02. Review status: criteria provided, single submitter. Criteria: ACMG Guidelines, 2015. Collection method: clinical testing. Allele origin: germline. Affected: yes.

Dr. Peter K. Rogan Lab, Western University
No classification provided (evidence only). Condition: Uterine corpus endometrial carcinoma. Review status: no classification provided. Collection method: in vitro. Allele origin: not applicable. Functional consequence: retained intron. Not counted in ClinVar's aggregate classification.